The following is an entry in ClinVar:

ClinVar aggregate classification (germline): Benign/Likely benign. Review status: criteria provided, multiple submitters, no conflicts (2 of 4 stars). 4 submissions from 4 submitters: Benign (2); Likely benign (1). 1 of the submissions does not count toward it. Last evaluated 2024-11-11.

Conditions:
CFAP44-related disorder. Also called: CFAP44-related condition.

Allele frequency attached by ClinVar (database versions not stated): 1000 Genomes Project 30x 0.00109; 1000 Genomes Project 0.00140; ESP Exome Variant Server 0.00153; ExAC 0.00161; gnomAD 0.00217 and 0.00226; TOPMed 0.00238.
gnomAD v4.1: 4,306 of 1,537,208 alleles (0.28%); highest among the groups gnomAD compares: Non-Finnish European, 0.32%; 6 homozygotes.

Submissions (4):

Blueprint Genetics
Classification: Likely benign. Last evaluated: 2024-11-11. Review status: criteria provided, single submitter. Criteria: ACMG Guidelines, 2015. Collection method: clinical testing. Allele origin: germline.

Labcorp Genetics (formerly Invitae), Labcorp
Classification: Benign. Last evaluated: 2019-12-31. Review status: criteria provided, single submitter. Criteria: Invitae Variant Classification Sherloc (09022015). Collection method: clinical testing. Allele origin: germline.

Breakthrough Genomics
Classification: Benign. Review status: criteria provided, single submitter. Criteria: ACMG Guidelines, 2015. Collection method: not provided. Allele origin: germline. Inheritance: Autosomal recessive inheritance. Affected: yes.

PreventionGenetics, part of Exact Sciences
Classification: Likely benign for CFAP44-related condition. Last evaluated: 2024-09-07. Review status: no assertion criteria provided. Collection method: clinical testing. Allele origin: germline. Not counted in ClinVar's aggregate classification.
Comment: This variant is classified as likely benign based on ACMG/AMP sequence variant interpretation guidelines (Richards et al. 2015 PMID: 25741868, with internal and published modifications).

NM_001164496.2(CFAP44):c.4951C>T (p.Arg1651Trp)

Genes: CFAP44 (cilia and flagella associated protein 44; minus strand), SPICE1-CFAP44 (SPICE1-CFAP44 readthrough (NMD candidate); minus strand). Cytogenetic location: 3q13.2.
Variant type: single nucleotide variant.
Coding change: c.4951C>T on transcript NM_001164496.2 (MANE Select); coding-DNA position 4951, C replaced by T.
Protein change: p.Arg1651Trp; replaces arginine 1651 with tryptophan.
Molecular consequence: missense variant.
Genome position (GRCh38, 1-based): chr3:113,304,042, G>A on the plus strand (C>T on the coding strand, the complement: CFAP44 is on the minus strand). VCF-style: chr3-113304042-G-A. GRCh37 (hg19) VCF-style: chr3-113022889-G-A.
Other names: short protein forms R1651W.
Identifiers: ClinVar variation 770705 (VCV000770705.7), dbSNP rs185086524, ClinGen allele CA2543601.